The following is an entry in ClinVar:

NM_174936.4(PCSK9):c.1372A>G (p.Arg458Gly)

Gene: PCSK9 (proprotein convertase subtilisin/kexin type 9; plus strand). Cytogenetic location: 1p32.3.
Variant type: single nucleotide variant.
Coding change: c.1372A>G on transcript NM_174936.4 (MANE Select); coding-DNA position 1372, A replaced by G.
Protein change: p.Arg458Gly; replaces arginine 458 with glycine.
Molecular consequence: missense variant. On other transcripts: non-coding transcript variant (8), intron variant (1).
Genome position (GRCh38, 1-based): chr1:55,058,516, A>G. VCF-style: chr1-55058516-A-G. GRCh37 (hg19) VCF-style: chr1-55524189-A-G.
Other names: c.1180+1002A>G (NM_001407247.1); c.1495A>G, p.Arg499Gly (NM_001407240.1); c.1372A>G, p.Arg458Gly (NM_001407241.1); c.1375A>G, p.Arg459Gly (NM_001407242.1); c.1315A>G, p.Arg439Gly (NM_001407243.1); c.1198A>G, p.Arg400Gly (NM_001407244.1); c.1180A>G, p.Arg394Gly (NM_001407245.1); c.997A>G, p.Arg333Gly (NM_001407246.1); short protein forms R333G, R394G, R400G, R439G, R458G, R459G, R499G.
Identifiers: ClinVar variation 3387451 (VCV003387451.1).

ClinVar aggregate classification (germline): Uncertain significance (1 of 4 stars; one submission).

Conditions:
Hypercholesterolemia, autosomal dominant, 3 (FHCL3). Also called: Familial Hypercholesterolemia, Autosomal Dominant, 3; PCSK9-Related Familial Hypercholesterolemia, Autosomal Dominant; Familial hypercholesterolemia 3. Identifiers: MedGen C1863551, MONDO:0011369, OMIM 603776.

Submission:

All of Us Research Program, National Institutes of Health
Classification: Uncertain significance for Hypercholesterolemia, autosomal dominant, 3. Last evaluated: 2024-02-22. Review status: criteria provided, single submitter. Criteria: ACMG Guidelines, 2015. Collection method: clinical testing. Allele origin: germline. Inheritance: Autosomal dominant inheritance. Observed: 1 variant allele, 1 heterozygote.
Comment: This missense variant replaces arginine with glycine at codon 458 of the PCSK9 protein. Computational prediction suggests that this variant may not impact protein structure and function (internally defined REVEL score threshold <= 0.5, PMID: 27666373). To our knowledge, functional studies have not been reported for this variant. This variant has not been reported in individuals affected with PCSK9-related disorders in the literature. This variant has not been identified in the general population by the Genome Aggregation Database (gnomAD). The available evidence is insufficient to determine the role of this variant in disease conclusively. Therefore, this variant is classified as a Variant of Uncertain Significance.

This study involves interpretation of variants in research participants for the purpose of population health screening. Participant phenotype was not available at the time of variant classification. Additional details can be found in publication PMID: 35346344, PMCID: PMC8962531